The following is an entry in ClinVar:

NM_007294.4(BRCA1):c.1037C>A (p.Pro346His)

Gene: BRCA1 (BRCA1 DNA repair associated; minus strand). Cytogenetic location: 17q21.31.
Variant type: single nucleotide variant.
Coding change: c.1037C>A on transcript NM_007294.4 (MANE Select); coding-DNA position 1037, C replaced by A.
Protein change: p.Pro346His; replaces proline 346 with histidine.
Molecular consequence: missense variant. On other transcripts: intron variant (137).
Genome position (GRCh38, 1-based): chr17:43,094,494, G>T on the plus strand (C>A on the coding strand, the complement: BRCA1 is on the minus strand). VCF-style: chr17-43094494-G-T. GRCh37 (hg19) VCF-style: chr17-41246511-G-T.
Other names: c.824C>A, p.Pro275His (NM_001407571.1, NM_001407853.1, NM_001407894.1 and 9 more transcripts); c.1037C>A, p.Pro346His (NM_001407581.1, NM_001407582.1, NM_001407583.1 and 30 more transcripts); c.1034C>A, p.Pro345His (NM_001407587.1, NM_001407590.1, NM_001407591.1 and 22 more transcripts); c.1028C>A, p.Pro343His (NM_001407646.1, NM_001407647.1); c.914C>A, p.Pro305His (NM_001407648.1, NM_001407664.1, NM_001407665.1 and 19 more transcripts); c.911C>A, p.Pro304His (NM_001407649.1, NM_001407670.1, NM_001407671.1 and 11 more transcripts); c.959C>A, p.Pro320His (NM_001407653.1, NM_001407654.1, NM_001407655.1 and 4 more transcripts); c.956C>A, p.Pro319His (NM_001407659.1, NM_001407660.1, NM_001407661.1 and 1 more transcripts); and 40 more; short protein forms P346H, P299H, P219H, P257H, P258H, P305H, P178H, P218H.
Identifiers: ClinVar variation 491026 (VCV000491026.13), dbSNP rs1555592620, ClinGen allele CA10599985.

ClinVar aggregate classification (germline): Conflicting classifications of pathogenicity. Review status: criteria provided, conflicting classifications (1 of 4 stars). 3 submissions from 3 submitters: Uncertain significance (2); Likely benign (1). Last evaluated 2023-03-23.

Conditions:
Hereditary breast ovarian cancer syndrome. Also called: Breast and ovarian cancer; Hereditary breast and/or ovarian cancer syndrome; Hereditary breast and ovarian cancer; Hereditary breast and ovarian cancer syndrome (HBOC); BRCA1- and BRCA2-Associated Hereditary Breast and Ovarian Cancer; Hereditary breast and ovarian cancer syndrome. Identifiers: Orphanet 145, MedGen C0677776, MeSH D061325, MONDO:0003582. Disease mechanism: loss of function.
Hereditary cancer-predisposing syndrome. Also called: Hereditary Cancer Syndrome; Neoplastic Syndromes, Hereditary; Tumor predisposition; Hereditary neoplastic syndrome. Identifiers: Orphanet 140162, MedGen C0027672, MeSH D009386, MONDO:0015356.

Submissions (3):

University of Washington Department of Laboratory Medicine, University of Washington
Classification: Likely benign for Hereditary cancer-predisposing syndrome. Last evaluated: 2023-03-23. Review status: criteria provided, single submitter. Criteria: Dines et al. (Genet Med. 2020). Collection method: curation. Allele origin: germline.
Comment: Missense variant in a coldspot region where missense variants are very unlikely to be pathogenic (PMID:31911673).

BRCA1 coldspot (exon 11 using historical exon numbering). Reclassification based on statistical prior probability

Labcorp Genetics (formerly Invitae), Labcorp
Classification: Uncertain significance for Hereditary breast ovarian cancer syndrome. Last evaluated: 2022-08-20. Review status: criteria provided, single submitter. Criteria: Invitae Variant Classification Sherloc (09022015). Collection method: clinical testing. Allele origin: germline.
Comment: This variant is not present in population databases (gnomAD no frequency). This variant has not been reported in the literature in individuals affected with BRCA1-related conditions. ClinVar contains an entry for this variant (Variation ID: 491026). Advanced modeling of protein sequence and biophysical properties (such as structural, functional, and spatial information, amino acid conservation, physicochemical variation, residue mobility, and thermodynamic stability) performed at Invitae indicates that this missense variant is not expected to disrupt BRCA1 protein function. In summary, the available evidence is currently insufficient to determine the role of this variant in disease. Therefore, it has been classified as a Variant of Uncertain Significance. This sequence change replaces proline, which is neutral and non-polar, with histidine, which is basic and polar, at codon 346 of the BRCA1 protein (p.Pro346His).

Color Diagnostics, LLC DBA Color Health
Classification: Uncertain significance for Hereditary cancer-predisposing syndrome. Last evaluated: 2019-05-16. Review status: criteria provided, single submitter. Criteria: ACMG Guidelines, 2015. Collection method: clinical testing. Allele origin: germline.